The following is an entry in ClinVar:

ClinVar aggregate classification (germline): Uncertain significance. Review status: criteria provided, multiple submitters, no conflicts (2 of 4 stars). 3 submissions from 3 submitters: Uncertain significance (2). 1 of the submissions does not count toward it. Last evaluated 2026-03-10.

Conditions:
CRB1-related disorder. Also called: CRB1-related disorders; CRB1-related condition.
Leber congenital amaurosis 8 (LCA8). Identifiers: Orphanet 65, MedGen C3151202, MONDO:0013453, OMIM 613835.
Retinitis pigmentosa 12 (RP12). Also called: RP WITH OR WITHOUT PPRPE; RP WITH OR WITHOUT PRESERVED PARAARTERIOLE RETINAL PIGMENT EPITHELIUM; RETINITIS PIGMENTOSA WITH OR WITHOUT PARAARTERIOLAR PRESERVATION OF RETINAL PIGMENT EPITHELIUM. Identifiers: Orphanet 791, MedGen C1838647, MONDO:0010818, OMIM 600105.
Leber congenital amaurosis (LCA). Also called: Leber's amaurosis. Identifiers: Orphanet 65, MedGen C0339527, MeSH D057130, MONDO:0018998.

Allele frequency attached by ClinVar (database versions not stated): TOPMed 0.00006.
gnomAD v4.1: 9 of 1,613,756 alleles (0.00056%); highest among the groups gnomAD compares: African/African-American, 0.0093%; no homozygotes.

Submissions (3):

PreventionGenetics, part of Exact Sciences
Classification: Uncertain significance for CRB1-related condition. Last evaluated: 2026-03-10. Review status: criteria provided, single submitter. Criteria: ACMG Guidelines, 2015. Collection method: clinical testing. Allele origin: germline.
Comment: The CRB1 c.3343G>C variant is predicted to result in the amino acid substitution p.Gly1115Arg. To our knowledge, this variant has not been reported in the literature. This variant is reported in 0.016% of alleles in individuals of African descent in gnomAD. At this time, the clinical significance of this variant is uncertain due to the absence of conclusive functional and genetic evidence.

Labcorp Genetics (formerly Invitae), Labcorp
Classification: Uncertain significance for Leber congenital amaurosis 8; Retinitis pigmentosa 12. Last evaluated: 2023-07-17. Review status: criteria provided, single submitter. Criteria: Invitae Variant Classification Sherloc (09022015). Collection method: clinical testing. Allele origin: germline.
Comment: This sequence change replaces glycine, which is neutral and non-polar, with arginine, which is basic and polar, at codon 1115 of the CRB1 protein (p.Gly1115Arg). This variant is present in population databases (rs779253997, gnomAD 0.02%). This variant has not been reported in the literature in individuals affected with CRB1-related conditions. ClinVar contains an entry for this variant (Variation ID: 1046851). Advanced modeling of protein sequence and biophysical properties (such as structural, functional, and spatial information, amino acid conservation, physicochemical variation, residue mobility, and thermodynamic stability) performed at Invitae indicates that this missense variant is not expected to disrupt CRB1 protein function. In summary, the available evidence is currently insufficient to determine the role of this variant in disease. Therefore, it has been classified as a Variant of Uncertain Significance.

Natera, Inc.
Classification: Uncertain significance for Leber congenital amaurosis. Last evaluated: 2020-07-15. Review status: no assertion criteria provided. Collection method: clinical testing. Allele origin: germline. Not counted in ClinVar's aggregate classification.

NM_201253.3(CRB1):c.3343G>C (p.Gly1115Arg)

Gene: CRB1 (crumbs cell polarity complex component 1; plus strand). Cytogenetic location: 1q31.3.
Variant type: single nucleotide variant.
Coding change: c.3343G>C on transcript NM_201253.3 (MANE Select); coding-DNA position 3343, G replaced by C.
Protein change: p.Gly1115Arg; replaces glycine 1115 with arginine.
Molecular consequence: missense variant. On other transcripts: non-coding transcript variant (2), intron variant (1).
Genome position (GRCh38, 1-based): chr1:197,435,206, G>C. VCF-style: chr1-197435206-G-C. GRCh37 (hg19) VCF-style: chr1-197404336-G-C.
Other names: c.3007G>C, p.Gly1003Arg (NM_001193640.2); c.3271G>C, p.Gly1091Arg (NM_001257965.2); c.2129-394G>C (NM_001257966.2); c.3343G>C (NM_201253.2); short protein forms G1003R, G1115R, G1091R.
Identifiers: ClinVar variation 1046851 (VCV001046851.5), dbSNP rs779253997, ClinGen allele CA1312319.